The following is an entry in ClinVar:

NM_024408.4(NOTCH2):c.5152C>T (p.Arg1718Cys)

Gene: NOTCH2 (notch receptor 2; minus strand). Cytogenetic location: 1p12.
Variant type: single nucleotide variant.
Coding change: c.5152C>T on transcript NM_024408.4 (MANE Select); coding-DNA position 5152, C replaced by T.
Protein change: p.Arg1718Cys; replaces arginine 1718 with cysteine.
Molecular consequence: missense variant.
Genome position (GRCh38, 1-based): chr1:119,922,297, G>A on the plus strand (C>T on the coding strand, the complement: NOTCH2 is on the minus strand). VCF-style: chr1-119922297-G-A. GRCh37 (hg19) VCF-style: chr1-120464920-G-A.
Other names: short protein forms R1718C.
Identifiers: ClinVar variation 1952952 (VCV001952952.5), dbSNP rs1233590749, ClinGen allele CA341886813.
Genomic context (GRCh38, chr1:119,922,297, plus strand): 5'-TCAGCCCCACAGCATCCTGTCCCACTGGCTCACGACGCTTGTGATTGCTTGCATCTCGGC[G>A]AAGAGTGAAACCTTCAGGCAGCCAGAGAGAGCCATGCTTACGCTTTCGTTTTGCCATGAT-3'
Protein context (NP_077719.2, residues 1708-1728): SLWLPEGFTL[Arg1718Cys]RDASNHKRRE

ClinVar aggregate classification (germline): Uncertain significance (1 of 4 stars; one submission).

Conditions:
Hajdu-Cheney syndrome (HJCYS). Also called: Acroosteolysis dominant type; ACROOSTEOLYSIS WITH OSTEOPOROSIS AND CHANGES IN SKULL AND MANDIBLE; SERPENTINE FIBULA-POLYCYSTIC KIDNEY SYNDROME. Identifiers: Orphanet 955, MedGen C0917715, MONDO:0007057, OMIM 102500.

Allele frequency attached by ClinVar (database versions not stated): gnomAD exomes below 0.00001; gnomAD 0.00001.
gnomAD v4.1: 3 of 1,614,036 alleles (0.00019%); highest among the groups gnomAD compares: African/African-American, 0.0013%; no homozygotes.

Submission:

Labcorp Genetics (formerly Invitae), Labcorp
Classification: Uncertain significance for Hajdu-Cheney syndrome. Last evaluated: 2023-04-22. Review status: criteria provided, single submitter. Criteria: Invitae Variant Classification Sherloc (09022015). Collection method: clinical testing. Allele origin: germline.
Comment: This sequence change replaces arginine, which is basic and polar, with cysteine, which is neutral and slightly polar, at codon 1718 of the NOTCH2 protein (p.Arg1718Cys). This variant is present in population databases (no rsID available, gnomAD 0.003%). This variant has not been reported in the literature in individuals affected with NOTCH2-related conditions. ClinVar contains an entry for this variant (Variation ID: 1952952). Advanced modeling of protein sequence and biophysical properties (such as structural, functional, and spatial information, amino acid conservation, physicochemical variation, residue mobility, and thermodynamic stability) performed at Invitae indicates that this missense variant is not expected to disrupt NOTCH2 protein function. In summary, the available evidence is currently insufficient to determine the role of this variant in disease. Therefore, it has been classified as a Variant of Uncertain Significance.